The following is an entry in ClinVar:

ClinVar aggregate classification (germline): Uncertain significance (1 of 4 stars; one submission).

Conditions:
Brachyolmia-amelogenesis imperfecta syndrome. Also called: PLATYSPONDYLY WITH AMELOGENESIS IMPERFECTA; Tooth agenesis, selective, 6; Dental anomalies and short stature. Identifiers: Orphanet 2899, MedGen C1832594, MONDO:0011018, OMIM 601216. Disease mechanism: loss of function.

Allele frequency attached by ClinVar (database versions not stated): TOPMed below 0.00001.
gnomAD v4.1: 20 of 1,614,146 alleles (0.0012%); highest among the groups gnomAD compares: African/African-American, 0.0067%; no homozygotes.

Submission:

Labcorp Genetics (formerly Invitae), Labcorp
Classification: Uncertain significance for Brachyolmia-amelogenesis imperfecta syndrome. Last evaluated: 2023-11-10. Review status: criteria provided, single submitter. Criteria: Invitae Variant Classification Sherloc (09022015). Collection method: clinical testing. Allele origin: germline.
Comment: This sequence change affects codon 474 of the LTBP3 mRNA. It is a 'silent' change, meaning that it does not change the encoded amino acid sequence of the LTBP3 protein. This variant is present in population databases (rs111330939, gnomAD 0.003%). This variant has not been reported in the literature in individuals affected with LTBP3-related conditions. Algorithms developed to predict the effect of sequence changes on RNA splicing suggest that this variant may disrupt the consensus splice site. In summary, the available evidence is currently insufficient to determine the role of this variant in disease. Therefore, it has been classified as a Variant of Uncertain Significance.

NM_001130144.3(LTBP3):c.1422C>T (p.Gly474=)

Gene: LTBP3 (latent transforming growth factor beta binding protein 3; minus strand). Cytogenetic location: 11q13.1.
Variant type: single nucleotide variant.
Coding change: c.1422C>T on transcript NM_001130144.3 (MANE Select); coding-DNA position 1422, C replaced by T.
Protein change: p.Gly474=; no amino-acid change (glycine 474 retained).
Molecular consequence: synonymous variant.
Genome position (GRCh38, 1-based): chr11:65,552,081, G>A on the plus strand (C>T on the coding strand, the complement: LTBP3 is on the minus strand). VCF-style: chr11-65552081-G-A. GRCh37 (hg19) VCF-style: chr11-65319552-G-A.
Other names: c.1071C>T, p.Gly357= (NM_001164266.1); c.1422C>T, p.Gly474= (NM_021070.4).
Identifiers: ClinVar variation 2908627 (VCV002908627.3), dbSNP rs111330939, ClinGen allele CA223968882.